The following is an entry in ClinVar:

NM_015215.4(CAMTA1):c.1881C>T (p.Val627=)

Gene: CAMTA1 (calmodulin binding transcription activator 1; plus strand). Cytogenetic location: 1p36.23.
Variant type: single nucleotide variant.
Coding change: c.1881C>T on transcript NM_015215.4 (MANE Select); coding-DNA position 1881, C replaced by T.
Protein change: p.Val627=; no amino-acid change (valine 627 retained).
Molecular consequence: synonymous variant.
Genome position (GRCh38, 1-based): chr1:7,664,428, C>T. VCF-style: chr1-7664428-C-T. GRCh37 (hg19) VCF-style: chr1-7724488-C-T.
Other names: c.1791C>T, p.Val597= (NM_001349608.2, NM_001349612.2); c.1881C>T, p.Val627= (NM_001349609.2, NM_001349610.2, NM_001410737.1); c.1809C>T, p.Val603= (NM_001410738.1).
Identifiers: ClinVar variation 4694200 (VCV004694200.3).
Genomic context (GRCh38, chr1:7,664,428, plus strand): 5'-CATCCACCAGACCCCCTCCCCGAGCTTCTTCCTGCAGGACGCCAGCAAACCCCTCCCCGT[C>T]GAGCAGAACACCCACAGCAGCCTGAGTGACTCTGGGGGCACCTTCGTGATGCCCACGGTG-3'
Protein context (NP_056030.1, residues 617-637): FLQDASKPLP[Val627=]EQNTHSSLSD

ClinVar aggregate classification (germline): Likely benign. Review status: criteria provided, multiple submitters, no conflicts (2 of 4 stars). 2 submissions from 2 submitters: Likely benign (2). Last evaluated 2026-05-01.

gnomAD v4.1: 43 of 1,613,512 alleles (0.0027%); highest among the groups gnomAD compares: African/African-American, 0.012%; no homozygotes.

Submissions (2):

CeGaT Center for Human Genetics Tuebingen
Classification: Likely benign. Last evaluated: 2026-05-01. Review status: criteria provided, single submitter. Criteria: CeGaT Center For Human Genetics Tuebingen Variant Classification Criteria Version 2. Collection method: clinical testing. Allele origin: germline. Affected: yes. Observed: 1 variant allele.
Comment: CAMTA1: BP4, BP7

Labcorp Genetics (formerly Invitae), Labcorp
Classification: Likely benign. Last evaluated: 2025-07-21. Review status: criteria provided, single submitter. Criteria: Invitae Variant Classification Sherloc (09022015). Collection method: clinical testing. Allele origin: germline.